The following is an entry in ClinVar:

ClinVar aggregate classification (germline): Uncertain significance (1 of 4 stars; one submission).

gnomAD v4.1: 2 of 1,549,340 alleles (0.00013%); highest among the groups gnomAD compares: Non-Finnish European, 0.00017%; no homozygotes.

Submission:

Labcorp Genetics (formerly Invitae), Labcorp
Classification: Uncertain significance. Last evaluated: 2022-06-23. Review status: criteria provided, single submitter. Criteria: Invitae Variant Classification Sherloc (09022015). Collection method: clinical testing. Allele origin: germline.
Comment: In summary, the available evidence is currently insufficient to determine the role of this variant in disease. Therefore, it has been classified as a Variant of Uncertain Significance. Algorithms developed to predict the effect of sequence changes on RNA splicing suggest that this variant is not likely to affect RNA splicing. This variant has not been reported in the literature in individuals affected with SBF1-related conditions. The frequency data for this variant in the population databases is considered unreliable, as metrics indicate poor data quality at this position in the gnomAD database. This sequence change affects codon 218 of the SBF1 mRNA. It is a 'silent' change, meaning that it does not change the encoded amino acid sequence of the SBF1 protein. It affects a nucleotide within the consensus splice site.

NM_002972.4(SBF1):c.654A>G (p.Leu218=)

Gene: SBF1 (SET binding factor 1; minus strand). Cytogenetic location: 22q13.33.
Variant type: single nucleotide variant.
Coding change: c.654A>G on transcript NM_002972.4 (MANE Select); coding-DNA position 654, A replaced by G.
Protein change: p.Leu218=; no amino-acid change (leucine 218 retained).
Molecular consequence: synonymous variant.
Genome position (GRCh38, 1-based): chr22:50,466,606, T>C on the plus strand (A>G on the coding strand, the complement: SBF1 is on the minus strand). VCF-style: chr22-50466606-T-C. GRCh37 (hg19) VCF-style: chr22-50905035-T-C.
Other names: c.657A>G, p.Leu219= (NM_001365819.1, NM_001410794.1); c.654A>G, p.Leu218= (NM_001410795.1, NM_197971.1).
Identifiers: ClinVar variation 2117684 (VCV002117684.4), dbSNP rs1462436517, ClinGen allele CA515384745.